The following is an entry in ClinVar:

NM_031407.7(HUWE1):c.3088T>A (p.Ser1030Thr)

Gene: HUWE1 (HECT, UBA and WWE domain containing E3 ubiquitin protein ligase 1; minus strand). Cytogenetic location: Xp11.22.
Variant type: single nucleotide variant.
Coding change: c.3088T>A on transcript NM_031407.7 (MANE Select); coding-DNA position 3088, T replaced by A.
Protein change: p.Ser1030Thr; replaces serine 1030 with threonine.
Molecular consequence: missense variant.
Genome position (GRCh38, 1-based): chrX:53,600,193, A>T on the plus strand (T>A on the coding strand, the complement: HUWE1 is on the minus strand). VCF-style: chrX-53600193-A-T. GRCh37 (hg19) VCF-style: chrX-53627153-A-T.
Other names: short protein forms S1030T.
Identifiers: ClinVar variation 2758326 (VCV002758326.3), dbSNP rs782313769, ClinGen allele CA413179895.

ClinVar aggregate classification (germline): Uncertain significance (1 of 4 stars; one submission).

Submission:

Labcorp Genetics (formerly Invitae), Labcorp
Classification: Uncertain significance. Last evaluated: 2023-09-12. Review status: criteria provided, single submitter. Criteria: Invitae Variant Classification Sherloc (09022015). Collection method: clinical testing. Allele origin: germline.
Comment: Advanced modeling of protein sequence and biophysical properties (such as structural, functional, and spatial information, amino acid conservation, physicochemical variation, residue mobility, and thermodynamic stability) performed at Invitae indicates that this missense variant is not expected to disrupt HUWE1 protein function. This variant has not been reported in the literature in individuals affected with HUWE1-related conditions. This variant is not present in population databases (gnomAD no frequency). This sequence change replaces serine, which is neutral and polar, with threonine, which is neutral and polar, at codon 1030 of the HUWE1 protein (p.Ser1030Thr). In summary, the available evidence is currently insufficient to determine the role of this variant in disease. Therefore, it has been classified as a Variant of Uncertain Significance.